The following is an entry in ClinVar:

ClinVar aggregate classification (germline): Uncertain significance (1 of 4 stars; one submission).

Conditions:
Hereditary cancer-predisposing syndrome. Also called: Hereditary Cancer Syndrome; Neoplastic Syndromes, Hereditary; Tumor predisposition; Hereditary neoplastic syndrome. Identifiers: Orphanet 140162, MedGen C0027672, MeSH D009386, MONDO:0015356.

Submission:

Ambry Genetics
Classification: Uncertain significance for Hereditary cancer-predisposing syndrome. Last evaluated: 2019-09-18. Review status: criteria provided, single submitter. Criteria: Ambry Variant Classification Scheme 2023. Collection method: clinical testing. Allele origin: germline.
Comment: The p.Q1751R variant (also known as c.5252A>G), located in coding exon 15 of the APC gene, results from an A to G substitution at nucleotide position 5252. The glutamine at codon 1751 is replaced by arginine, an amino acid with highly similar properties. This amino acid position is highly conserved in available vertebrate species. In addition, in silico predictors for this gene do not accurately predict pathogenicity. Since supporting evidence is limited at this time, the clinical significance of this alteration remains unclear.

NM_000038.6(APC):c.5252A>G (p.Gln1751Arg)

Gene: APC (APC regulator of Wnt signaling pathway; plus strand). Cytogenetic location: 5q22.2.
Variant type: single nucleotide variant.
Coding change: c.5252A>G on transcript NM_000038.6 (MANE Select); coding-DNA position 5252, A replaced by G.
Protein change: p.Gln1751Arg; replaces glutamine 1751 with arginine.
Molecular consequence: missense variant.
Genome position (GRCh38, 1-based): chr5:112,840,846, A>G. VCF-style: chr5-112840846-A-G. GRCh37 (hg19) VCF-style: chr5-112176543-A-G.
Other names: c.5252A>G, p.Gln1751Arg (NM_001127510.3, NM_001354895.2, NM_001407450.1); c.5198A>G, p.Gln1733Arg (NM_001127511.3); c.5306A>G, p.Gln1769Arg (NM_001354896.2, NM_001407447.1, NM_001407448.1 and 1 more transcripts); c.5282A>G, p.Gln1761Arg (NM_001354897.2); c.5177A>G, p.Gln1726Arg (NM_001354898.2); c.5168A>G, p.Gln1723Arg (NM_001354899.2); c.5129A>G, p.Gln1710Arg (NM_001354900.2); c.5075A>G, p.Gln1692Arg (NM_001354901.2, NM_001407453.1); and 11 more; short protein forms Q1591R, Q1622R, Q1710R, Q1744R, Q1751R, Q1625R, Q1650R, Q1723R.
Identifiers: ClinVar variation 1746373 (VCV001746373.2), dbSNP rs1765897206, ClinGen allele CA16032817.